The following is an entry in ClinVar:

NM_001206744.2(TPO):c.2173A>C (p.Thr725Pro)

Genes: LALTOP (lung cancer associated lncRNA targeting TOP2A; minus strand), TPO (thyroid peroxidase; plus strand). Cytogenetic location: 2p25.3.
Variant type: single nucleotide variant.
Coding change: c.2173A>C on transcript NM_001206744.2 (MANE Select); coding-DNA position 2173, A replaced by C.
Protein change: p.Thr725Pro; replaces threonine 725 with proline.
Molecular consequence: missense variant.
Genome position (GRCh38, 1-based): chr2:1,496,155, A>C. VCF-style: chr2-1496155-A-C. GRCh37 (hg19) VCF-style: chr2-1499927-A-C.
Other names: c.2173A>C, p.Thr725Pro (NM_000547.6, NM_175721.3); c.2002A>C, p.Thr668Pro (NM_001206745.2, NM_175719.4); c.1654A>C, p.Thr552Pro (NM_175722.3); short protein forms T725P, T668P, T552P.
Identifiers: ClinVar variation 256611 (VCV000256611.16), dbSNP rs732609, ClinGen allele CA1511969.

ClinVar aggregate classification (germline): Benign/Likely benign. Review status: criteria provided, multiple submitters, no conflicts (2 of 4 stars). 10 submissions from 10 submitters: Benign (5); Likely benign (2). 3 of the submissions do not count toward it. Last evaluated 2026-05-09.

Conditions:
Deficiency of iodide peroxidase (TDH2A). Also called: Thyroid dyshormonogenesis 2A; THYROID HORMONOGENESIS, GENETIC DEFECT IN, 2A; THYROID PEROXIDASE DEFICIENCY; HYPOTHYROIDISM, CONGENITAL, DUE TO DYSHORMONOGENESIS, 2A; IODIDE PEROXIDASE DEFICIENCY. Identifiers: Orphanet 95716, MedGen C1291299, MONDO:0010133, OMIM 274500.

Allele frequency attached by ClinVar (database versions not stated): ExAC 0.42798; gnomAD exomes 0.42866; gnomAD 0.46869 and 0.46998; ESP Exome Variant Server 0.47032; TOPMed 0.47375; 1000 Genomes Project 0.49840; 1000 Genomes Project 30x 0.49938.
gnomAD v4.1: 674,955 of 1,612,876 alleles (42%); highest among the groups gnomAD compares: African/African-American, 62%; 144,001 homozygotes.

Submissions (10):

Women's Health and Genetics/Laboratory Corporation of America, LabCorp
Classification: Likely benign. Last evaluated: 2026-05-09. Review status: criteria provided, single submitter. Criteria: LabCorp Variant Classification Summary - May 2015. Collection method: clinical testing. Allele origin: germline.

Labcorp Genetics (formerly Invitae), Labcorp
Classification: Benign. Last evaluated: 2026-02-04. Review status: criteria provided, single submitter. Criteria: Invitae Variant Classification Sherloc (09022015). Collection method: clinical testing. Allele origin: germline.

Blueprint Genetics
Classification: Likely benign. Last evaluated: 2024-11-26. Review status: criteria provided, single submitter. Criteria: ACMG Guidelines, 2015. Collection method: clinical testing. Allele origin: germline.

Mendelics
Classification: Benign for Deficiency of iodide peroxidase. Last evaluated: 2019-05-28. Review status: criteria provided, single submitter. Criteria: Mendelics Assertion Criteria 2017. Collection method: clinical testing. Allele origin: unknown.

Illumina Laboratory Services, Illumina
Classification: Benign for Deficiency of iodide peroxidase. Last evaluated: 2018-01-13. Review status: criteria provided, single submitter. Criteria: ICSL Variant Classification Criteria 13 December 2019. Collection method: clinical testing. Allele origin: germline.
Comment: This variant was observed in the ICSL laboratory as part of a predisposition screen in an ostensibly healthy population. It had not been previously curated by ICSL or reported in the Human Gene Mutation Database (HGMD: prior to June 1st, 2018), and was therefore a candidate for classification through an automated scoring system. Utilizing variant allele frequency, disease prevalence and penetrance estimates, and inheritance mode, an automated score was calculated to assess if this variant is too frequent to cause the disease. Based on the score and internal cut-off values, a variant classified as benign is not then subjected to further curation. The score for this variant resulted in a classification of benign for this disease.

Breakthrough Genomics
Classification: Benign. Review status: criteria provided, single submitter. Criteria: ACMG Guidelines, 2015. Collection method: not provided. Allele origin: germline. Inheritance: Autosomal recessive inheritance. Affected: yes.

PreventionGenetics, part of Exact Sciences
Classification: Benign. Review status: criteria provided, single submitter. Criteria: ACMG Guidelines, 2015. Collection method: clinical testing. Allele origin: germline.

Clinical Genetics DNA and cytogenetics Diagnostics Lab, Erasmus MC, Erasmus Medical Center
Classification: Benign. Review status: no assertion criteria provided. Collection method: clinical testing. Allele origin: germline. Affected: yes. Study: VKGL Data-share Consensus. Not counted in ClinVar's aggregate classification.

Clinical Genetics, Academic Medical Center
Classification: Benign. Review status: no assertion criteria provided. Collection method: clinical testing. Allele origin: germline. Affected: yes. Study: VKGL Data-share Consensus. Not counted in ClinVar's aggregate classification.

Diagnostic Laboratory, Department of Genetics, University Medical Center Groningen
Classification: Benign for Deficiency of iodide peroxidase. Review status: no assertion criteria provided. Collection method: clinical testing. Allele origin: germline. Affected: yes. Study: VKGL Data-share Consensus. Not counted in ClinVar's aggregate classification.